The following is an entry in ClinVar:

ClinVar aggregate classification (germline): Uncertain significance (1 of 4 stars; one submission).

Submission:

GeneDx
Classification: Uncertain significance. Last evaluated: 2024-06-26. Review status: criteria provided, single submitter. Criteria: GeneDx Variant Classification Process June 2021. Collection method: clinical testing. Allele origin: germline. Affected: yes.
Comment: Not observed at significant frequency in large population cohorts (gnomAD); In silico analysis supports that this missense variant has a deleterious effect on protein structure/function; Has not been previously published as pathogenic or benign to our knowledge

NM_020791.4(TAOK1):c.171G>C (p.Lys57Asn)

Gene: TAOK1 (TAO kinase 1; plus strand). Cytogenetic location: 17q11.2.
Variant type: single nucleotide variant.
Coding change: c.171G>C on transcript NM_020791.4 (MANE Select); coding-DNA position 171, G replaced by C.
Protein change: p.Lys57Asn; replaces lysine 57 with asparagine.
Molecular consequence: missense variant.
Genome position (GRCh38, 1-based): chr17:29,467,183, G>C. VCF-style: chr17-29467183-G-C. GRCh37 (hg19) VCF-style: chr17-27794201-G-C.
Other names: c.171G>C, p.Lys57Asn (NM_025142.1); short protein forms K57N.
Identifiers: ClinVar variation 3392811 (VCV003392811.1).